The following is an entry in ClinVar:

ClinVar aggregate classification (germline): Benign. Review status: criteria provided, multiple submitters, no conflicts (2 of 4 stars). 2 submissions from 2 submitters: Benign (2). Last evaluated 2018-01-12.

Conditions:
Deficiency of 2-methylbutyryl-CoA dehydrogenase (ACADSB). Also called: 2-methylbutyryl-CoA dehydrogenase deficiency; SBCAD deficiency; 2-methylbutyric aciduria; Short branched-chain acyl-CoA dehydrogenase deficiency; 2-methylbutyrylglycinuria. Identifiers: Orphanet 79157, MedGen C1864912, MONDO:0012392, OMIM 610006, HP:0020147.

Allele frequency attached by ClinVar (database versions not stated): TOPMed 0.19077; 1000 Genomes Project 0.19209; 1000 Genomes Project 30x 0.19238; gnomAD 0.19948 and 0.20153.

Submissions (2):

Illumina Laboratory Services, Illumina
Classification: Benign for Deficiency of 2-methylbutyryl-CoA dehydrogenase. Last evaluated: 2018-01-12. Review status: criteria provided, single submitter. Criteria: ICSL Variant Classification Criteria 13 December 2019. Collection method: clinical testing. Allele origin: germline.
Comment: This variant was observed in the ICSL laboratory as part of a predisposition screen in an ostensibly healthy population. It had not been previously curated by ICSL or reported in the Human Gene Mutation Database (HGMD: prior to June 1st, 2018), and was therefore a candidate for classification through an automated scoring system. Utilizing variant allele frequency, disease prevalence and penetrance estimates, and inheritance mode, an automated score was calculated to assess if this variant is too frequent to cause the disease. Based on the score and internal cut-off values, a variant classified as benign is not then subjected to further curation. The score for this variant resulted in a classification of benign for this disease.

Breakthrough Genomics
Classification: Benign. Review status: criteria provided, single submitter. Criteria: ACMG Guidelines, 2015. Collection method: not provided. Allele origin: germline. Inheritance: Autosomal recessive inheritance. Affected: yes.

NM_001609.4(ACADSB):c.*4426T>C

Gene: ACADSB (acyl-CoA dehydrogenase short/branched chain; plus strand). Cytogenetic location: 10q26.13.
Variant type: single nucleotide variant.
Coding change: c.*4426T>C on transcript NM_001609.4 (MANE Select); 4426 bases downstream of the stop codon, T replaced by C.
Molecular consequence: 3 prime UTR variant.
Genome position (GRCh38, 1-based): chr10:123,058,191, T>C. VCF-style: chr10-123058191-T-C. GRCh37 (hg19) VCF-style: chr10-124817707-T-C.
Other names: c.*4426T>C (NM_001330174.3).
Identifiers: ClinVar variation 299159 (VCV000299159.6), dbSNP rs7732, ClinGen allele CA10628179.